The following is an entry in ClinVar:

ClinVar aggregate classification (germline): Likely benign. Review status: criteria provided, multiple submitters, no conflicts (2 of 4 stars). 3 submissions from 3 submitters: Likely benign (3). Last evaluated 2025-10-01.

Conditions:
Nephronophthisis 16 (NPHP16). Identifiers: Orphanet 655, MedGen C3809320, MONDO:0014158, OMIM 615382.

Allele frequency attached by ClinVar (database versions not stated): gnomAD 0.00013 and 0.00019; ESP Exome Variant Server 0.00016; gnomAD exomes 0.00018 and 0.00027; ExAC 0.00022; TOPMed 0.00026.
gnomAD v4.1: 407 of 1,613,540 alleles (0.025%); highest among the groups gnomAD compares: Admixed American, 0.063%; no homozygotes.

Submissions (3):

Labcorp Genetics (formerly Invitae), Labcorp
Classification: Likely benign for Nephronophthisis 16. Last evaluated: 2025-10-01. Review status: criteria provided, single submitter. Criteria: Invitae Variant Classification Sherloc (09022015). Collection method: clinical testing. Allele origin: germline.

CeGaT Center for Human Genetics Tuebingen
Classification: Likely benign. Last evaluated: 2025-09-01. Review status: criteria provided, single submitter. Criteria: CeGaT Center For Human Genetics Tuebingen Variant Classification Criteria Version 2. Collection method: clinical testing. Allele origin: germline. Affected: yes. Observed: 1 variant allele.
Comment: ANKS6: BP4, BP7

PreventionGenetics, part of Exact Sciences
Classification: Likely benign. Review status: criteria provided, single submitter. Criteria: ACMG Guidelines, 2015. Collection method: clinical testing. Allele origin: germline.

NM_173551.5(ANKS6):c.2271C>T (p.Ser757=)

Gene: ANKS6 (ankyrin repeat and sterile alpha motif domain containing 6; minus strand). Cytogenetic location: 9q22.33.
Variant type: single nucleotide variant.
Coding change: c.2271C>T on transcript NM_173551.5 (MANE Select); coding-DNA position 2271, C replaced by T.
Protein change: p.Ser757=; no amino-acid change (serine 757 retained).
Molecular consequence: synonymous variant.
Genome position (GRCh38, 1-based): chr9:98,756,475, G>A on the plus strand (C>T on the coding strand, the complement: ANKS6 is on the minus strand). VCF-style: chr9-98756475-G-A. GRCh37 (hg19) VCF-style: chr9-101518757-G-A.
Identifiers: ClinVar variation 262849 (VCV000262849.13), dbSNP rs200246959, ClinGen allele CA5153212.